The following is an entry in ClinVar:

ClinVar aggregate classification (germline): Uncertain significance (1 of 4 stars; one submission).

Conditions:
Inborn genetic diseases. Identifiers: MedGen C0950123, MeSH D030342.

gnomAD v4.1: 1 of 1,610,388 alleles (0.000062%); highest among the groups gnomAD compares: Non-Finnish European, 0.000085%; no homozygotes.

Submission:

Ambry Genetics
Classification: Uncertain significance for Inborn genetic diseases. Last evaluated: 2025-01-17. Review status: criteria provided, single submitter. Criteria: Ambry Variant Classification Scheme 2023. Collection method: clinical testing. Allele origin: germline.
Comment: The p.P324T variant (also known as c.970C>A), located in coding exon 5 of the ETV6 gene, results from a C to A substitution at nucleotide position 970. The proline at codon 324 is replaced by threonine, an amino acid with highly similar properties. This amino acid position is conserved. In addition, this alteration is predicted to be tolerated by in silico analysis. Based on the available evidence, the clinical significance of this variant remains unclear.

NM_001987.5(ETV6):c.970C>A (p.Pro324Thr)

Gene: ETV6 (ETS variant transcription factor 6; plus strand). Cytogenetic location: 12p13.2.
Variant type: single nucleotide variant.
Coding change: c.970C>A on transcript NM_001987.5 (MANE Select); coding-DNA position 970, C replaced by A.
Protein change: p.Pro324Thr; replaces proline 324 with threonine.
Molecular consequence: missense variant.
Genome position (GRCh38, 1-based): chr12:11,869,930, C>A. VCF-style: chr12-11869930-C-A. GRCh37 (hg19) VCF-style: chr12-12022864-C-A.
Other names: c.967C>A, p.Pro323Thr (NM_001413913.1); c.943C>A, p.Pro315Thr (NM_001413914.1); c.706C>A, p.Pro236Thr (NM_001413915.1); c.970C>A, p.Pro324Thr (NM_001413916.1, NM_001413917.1); short protein forms P315T, P323T, P324T, P236T.
Identifiers: ClinVar variation 3846508 (VCV003846508.1).
Genomic context (GRCh38, chr12:11,869,930, plus strand): 5'-ATCAACCTCTCTCATCGGGAAGACCTGGCTTACATGAACCACATCATGGTCTCTGTCTCC[C>A]CGCCTGAAGAGCACGCCATGCCCATTGGGAGAATAGCAGGTGAGTGAGTTCCCCTCTCGC-3'
Protein context (NP_001978.1, residues 314-334): YMNHIMVSVS[Pro324Thr]PEEHAMPIGR